The following is an entry in ClinVar:

NM_198173.3(GRHL3):c.140T>C (p.Met47Thr)

Gene: GRHL3 (grainyhead like transcription factor 3; plus strand). Cytogenetic location: 1p36.11.
Variant type: single nucleotide variant.
Coding change: c.140T>C on transcript NM_198173.3 (MANE Select); coding-DNA position 140, T replaced by C.
Protein change: p.Met47Thr; replaces methionine 47 with threonine.
Molecular consequence: missense variant. On other transcripts: initiator codon variant (1).
Genome position (GRCh38, 1-based): chr1:24,331,548, T>C. VCF-style: chr1-24331548-T-C. GRCh37 (hg19) VCF-style: chr1-24658038-T-C.
Other names: c.2T>C, p.Met1Thr (NM_001195010.2); c.155T>C, p.Met52Thr (NM_021180.4); c.140T>C, p.Met47Thr (NM_198174.3); c.2T>C (NM_001195010.1); short protein forms M47T, M52T, M1T.
Identifiers: ClinVar variation 666838 (VCV000666838.8), dbSNP rs754006408, ClinGen allele CA689808.

ClinVar aggregate classification (germline): Uncertain significance. Review status: criteria provided, multiple submitters, no conflicts (2 of 4 stars). 3 submissions from 3 submitters: Uncertain significance (2). 1 of the submissions does not count toward it. Last evaluated 2026-02-24.

Conditions:
GRHL3-related disorder. Also called: GRHL3-related condition.
Inborn genetic diseases. Identifiers: MedGen C0950123, MeSH D030342.

Allele frequency attached by ClinVar (database versions not stated): gnomAD exomes 0.00001 and 0.00002; TOPMed 0.00001; ExAC 0.00002.
gnomAD v4.1: 12 of 1,614,168 alleles (0.00074%); highest among the groups gnomAD compares: East Asian, 0.016%; no homozygotes.

Submissions (3):

Ambry Genetics
Classification: Uncertain significance for Inborn genetic diseases. Last evaluated: 2026-02-24. Review status: criteria provided, single submitter. Criteria: Ambry Variant Classification Scheme 2023. Collection method: clinical testing. Allele origin: germline.

Laboratory for Molecular Medicine, Mass General Brigham Personalized Medicine
Classification: Uncertain significance. Last evaluated: 2018-12-20. Review status: criteria provided, single submitter. Criteria: LMM Criteria. Collection method: clinical testing. Allele origin: germline. Observed: 1 variant allele.
Comment: The p.Met47Thr (NM_198174.2: c.140T>C) variant in GRHL3 has not been previously reported in affected individuals, but has been identified in 0.02% (4/18394) of East Asian chromosomes by gnomAD. Computation al prediction tools and conservation analysis do not provide strong support for or against an impact of the p.Met47Thr change to the protein. It should be noted that the methionine (Met) residue impacted by this variant represents the trans lation start site of an alternative GRHL3 transcript (NM_001195010.1:c.2T>C, p.M et1?). However, the NM_001195010.1 transcript is poorly expressed (see ENST00000 356046.6 in GTEx) and a second Met is present at the ne ighboring residue (p.Met2). As a result, the predicted start site impact is less likely to have biological significance. In summary, the clinical significance o f the p.Met47Thr variant is uncertain. ACMG/AMP Criteria applied: BS1_Supporting .

PreventionGenetics, part of Exact Sciences
Classification: Uncertain significance for GRHL3-related condition. Last evaluated: 2024-06-21. Review status: no assertion criteria provided. Collection method: clinical testing. Allele origin: germline. Not counted in ClinVar's aggregate classification.
Comment: The GRHL3 c.2T>C variant is predicted to disrupt the translation initiation site (Start Loss). In the canonical transcript NM_198174 is this variant annotated as p.Met47Thr. To our knowledge, this variant has not been reported in the literature. This variant is reported in 0.022% of alleles in individuals of East Asian descent in gnomAD. At this time, the clinical significance of this variant is uncertain due to the absence of conclusive functional and genetic evidence.